The following is an entry in ClinVar:

ClinVar aggregate classification (germline): Uncertain significance (1 of 4 stars; one submission).

Allele frequency attached by ClinVar (database versions not stated): gnomAD exomes below 0.00001; ExAC 0.00001.
gnomAD v4.1: 2 of 1,614,178 alleles (0.00012%); highest among the groups gnomAD compares: Non-Finnish European, 0.00017%; no homozygotes.

Submission:

GeneDx
Classification: Uncertain significance. Last evaluated: 2023-03-05. Review status: criteria provided, single submitter. Criteria: GeneDx Variant Classification Process June 2021. Collection method: clinical testing. Allele origin: germline. Affected: yes.
Comment: Not observed at significant frequency in large population cohorts (gnomAD); In silico analysis supports that this missense variant does not alter protein structure/function; Has not been previously published as pathogenic or benign to our knowledge

NM_004519.4(KCNQ3):c.1330C>G (p.Leu444Val)

Gene: KCNQ3 (potassium voltage-gated channel subfamily Q member 3; minus strand). Cytogenetic location: 8q24.22.
Variant type: single nucleotide variant.
Coding change: c.1330C>G on transcript NM_004519.4 (MANE Select); coding-DNA position 1330, C replaced by G.
Protein change: p.Leu444Val; replaces leucine 444 with valine.
Molecular consequence: missense variant.
Genome position (GRCh38, 1-based): chr8:132,141,264, G>C on the plus strand (C>G on the coding strand, the complement: KCNQ3 is on the minus strand). VCF-style: chr8-132141264-G-C. GRCh37 (hg19) VCF-style: chr8-133153511-G-C.
Other names: c.970C>G, p.Leu324Val (NM_001204824.2); short protein forms L324V, L444V.
Identifiers: ClinVar variation 2443587 (VCV002443587.1), dbSNP rs762998115, ClinGen allele CA4880719.
Genomic context (GRCh38, chr8:132,141,264, plus strand): 5'-CAGGCTTTGGTTCTTTAGAAGGACTTTCTTCTATGGCATCTACATTCAGAGGGGTAAATA[G>C]CTTTCCTTTAGTATTGCTACCACGAGGATTAGAAAGGCGAACCCGATCCAAGAGACCCAG-3'
Protein context (NP_004510.1, residues 434-454): NPRGSNTKGK[Leu444Val]FTPLNVDAIE